The following is an entry in ClinVar:

ClinVar aggregate classification (germline): Pathogenic. Review status: criteria provided, multiple submitters, no conflicts (2 of 4 stars). 4 submissions from 4 submitters: Pathogenic (4). Last evaluated 2025-10-02.

Conditions:
Hereditary cancer-predisposing syndrome. Also called: Hereditary Cancer Syndrome; Tumor predisposition; Hereditary neoplastic syndrome; Neoplastic Syndromes, Hereditary. Identifiers: Orphanet 140162, MedGen C0027672, MeSH D009386, MONDO:0015356.
Multiple endocrine neoplasia, type 1 (MEN1). Also called: MEA I; MEN I; WERMER SYNDROME; Endocrine adenomatosis multiple; MEN 1. Identifiers: Orphanet 652, MedGen C0025267, MeSH D018761, MONDO:0007540, OMIM 131100.

Allele frequency attached by ClinVar (database versions not stated): TOPMed below 0.00001.

Submissions (4):

Ambry Genetics
Classification: Pathogenic for Hereditary cancer-predisposing syndrome. Last evaluated: 2025-10-02. Review status: criteria provided, single submitter. Criteria: Ambry Variant Classification Scheme 2023. Collection method: clinical testing. Allele origin: germline.
Comment: The p.W198* pathogenic mutation (also known as c.594G>A), located in coding exon 2 of the MEN1 gene, results from a G to A substitution at nucleotide position 594. This changes the amino acid from a tryptophan to a stop codon within coding exon 2. This variant was reported in individuals with features consistent with multiple endocrine neoplasia type 1 (Schaaf L et al. Exp Clin Endocrinol Diabetes, 2007 Sep;115:509-17; Ambry internal data). This variant is considered to be rare based on population cohorts in the Genome Aggregation Database (gnomAD). This alteration is expected to result in loss of function by premature protein truncation or nonsense-mediated mRNA decay. As such, this alteration is interpreted as a disease-causing mutation.

GeneDx
Classification: Pathogenic. Last evaluated: 2023-07-13. Review status: criteria provided, single submitter. Criteria: GeneDx Variant Classification Process June 2021. Collection method: clinical testing. Allele origin: germline. Affected: yes.
Comment: Nonsense variant predicted to result in protein truncation or nonsense mediated decay in a gene for which loss of function is a known mechanism of disease; Not observed at significant frequency in large population cohorts (gnomAD); This variant is associated with the following publications: (PMID: 9215689, 9103196, 9681840, 9929977, 15281352, 9564891, 10551325, 25525159, 33840689, 32552660, 17853334)

Labcorp Genetics (formerly Invitae), Labcorp
Classification: Pathogenic for Multiple endocrine neoplasia, type 1. Last evaluated: 2022-10-16. Review status: criteria provided, single submitter. Criteria: Invitae Variant Classification Sherloc (09022015). Collection method: clinical testing. Allele origin: germline.
Comment: This sequence change creates a premature translational stop signal (p.Trp198*) in the MEN1 gene. It is expected to result in an absent or disrupted protein product. Loss-of-function variants in MEN1 are known to be pathogenic (PMID: 12112656, 17853334). This variant is not present in population databases (gnomAD no frequency). This premature translational stop signal has been observed in individual(s) with multiple endocrine neoplasia type 1 (MEN1) (PMID: 9103196, 17853334). ClinVar contains an entry for this variant (Variation ID: 201010). For these reasons, this variant has been classified as Pathogenic.

Women's Health and Genetics/Laboratory Corporation of America, LabCorp
Classification: Pathogenic for Multiple endocrine neoplasia, type 1. Last evaluated: 2021-09-10. Review status: criteria provided, single submitter. Criteria: LabCorp Variant Classification Summary - May 2015. Collection method: clinical testing. Allele origin: germline.
Comment: Variant summary: MEN1 c.594G>A (p.Trp198X) results in a premature termination codon, predicted to cause a truncation of the encoded protein or absence of the protein due to nonsense mediated decay, which are commonly known mechanisms for disease. Truncations downstream of this position have been classified as pathogenic by our laboratory. The variant was absent in 251392 control chromosomes. c.594G>A has been reported in the literature in multiple individuals affected with Multiple Endocrine Neoplasia Type 1 (example, Chandrasekharappa_1997, Schaaf_2007). These data indicate that the variant is very likely to be associated with disease. To our knowledge, no experimental evidence demonstrating an impact on protein function has been reported. One clinical diagnostic laboratory has submitted clinical-significance assessments for this variant to ClinVar after 2014 without evidence for independent evaluation and classified the variant as pathogenic. Based on the evidence outlined above, the variant was classified as pathogenic.

Literature cited by the submitters: PubMed 17853334 (cited by 3 submitters); PubMed 12112656 (cited by Labcorp Genetics (formerly Invitae), Labcorp); PubMed 9103196 (cited by Labcorp Genetics (formerly Invitae), Labcorp and Women's Health and Genetics/Laboratory Corporation of America, LabCorp); PubMed 9564891 (cited by Women's Health and Genetics/Laboratory Corporation of America, LabCorp); PubMed 9671267 (cited by Women's Health and Genetics/Laboratory Corporation of America, LabCorp); PubMed 9215689 (cited by Women's Health and Genetics/Laboratory Corporation of America, LabCorp); PubMed 17623761 (cited by Women's Health and Genetics/Laboratory Corporation of America, LabCorp); PubMed 33840689 (cited by Women's Health and Genetics/Laboratory Corporation of America, LabCorp).

NM_001370259.2(MEN1):c.594G>A (p.Trp198Ter)

Gene: MEN1 (menin 1; minus strand). Cytogenetic location: 11q13.1.
Variant type: single nucleotide variant.
Coding change: c.594G>A on transcript NM_001370259.2 (MANE Select); coding-DNA position 594, G replaced by A.
Protein change: p.Trp198Ter; replaces tryptophan 198 with a stop codon.
Molecular consequence: nonsense. On other transcripts: intron variant (2).
Genome position (GRCh38, 1-based): chr11:64,807,951, C>T on the plus strand (G>A on the coding strand, the complement: MEN1 is on the minus strand). VCF-style: chr11-64807951-C-T. GRCh37 (hg19) VCF-style: chr11-64575423-C-T.
Other names: c.609G>A, p.Trp203Ter (NM_000244.4, NM_130800.3, NM_130801.3 and 3 more transcripts); c.594G>A, p.Trp198Ter (NM_001370251.2, NM_001370260.2, NM_001370261.2 and 1 more transcripts); c.549+45G>A (NM_001370263.2, NM_001370262.2); short protein forms W198*, W203*.
Identifiers: ClinVar variation 201010 (VCV000201010.11), dbSNP rs104894257, ClinGen allele CA009518.
Genomic context (GRCh38, chr11:64,807,951, plus strand): 5'-CCGCTCAGCCACACCGGCATTGACTGTCTGGCCCCTGCGGTCCTCGTTGCCCTTGCCGTG[C>T]CAGGTGACCTCAGCTGTCTGCTCCCCATTGGGCCCAAACACTACCCAGGCATGATCCTCA-3'